The following is an entry in ClinVar:

ClinVar aggregate classification (germline): Uncertain significance (1 of 4 stars; one submission).

Submission:

Ambry Genetics
Classification: Uncertain significance. Last evaluated: 2022-08-07. Review status: criteria provided, single submitter. Criteria: Ambry Variant Classification Scheme 2023. Collection method: clinical testing. Allele origin: germline.
Comment: The p.Q384H variant (also known as c.1152A>C), located in coding exon 8 of the POLQ gene, results from an A to C substitution at nucleotide position 1152. The glutamine at codon 384 is replaced by histidine, an amino acid with highly similar properties. This amino acid position is conserved. In addition, this alteration is predicted to be tolerated by in silico analysis. Since supporting evidence is limited at this time, the clinical significance of this alteration remains unclear.

NM_199420.4(POLQ):c.1152A>C (p.Gln384His)

Gene: POLQ (DNA polymerase theta; minus strand). Cytogenetic location: 3q13.33.
Variant type: single nucleotide variant.
Coding change: c.1152A>C on transcript NM_199420.4 (MANE Select); coding-DNA position 1152, A replaced by C.
Protein change: p.Gln384His; replaces glutamine 384 with histidine.
Molecular consequence: missense variant.
Genome position (GRCh38, 1-based): chr3:121,522,106, T>G on the plus strand (A>C on the coding strand, the complement: POLQ is on the minus strand). VCF-style: chr3-121522106-T-G. GRCh37 (hg19) VCF-style: chr3-121240953-T-G.
Other names: short protein forms Q384H.
Identifiers: ClinVar variation 1734279 (VCV001734279.2), dbSNP rs2546811733, ClinGen allele CA354121912.
Genomic context (GRCh38, chr3:121,522,106, plus strand): 5'-TACAGAGTCCAGTCCTGAAGGCAAACGTCTTAACTGATCCATCACTTCCAGGAGTTCTTT[T>G]TGTTCCAGAATTACTGGTGGGCATTCAGAGGGTTTCACCAATCCTGTCACAAAAAAATTA-3'
Protein context (NP_955452.3, residues 374-394): PSECPPVILE[Gln384His]KELLEVMDQL